The following is an entry in ClinVar:

ClinVar aggregate classification (germline): Likely benign (1 of 4 stars; one submission).

Allele frequency attached by ClinVar (database versions not stated): TOPMed below 0.00001; ExAC 0.00001; gnomAD 0.00001.
gnomAD v4.1: 9 of 1,614,040 alleles (0.00056%); highest among the groups gnomAD compares: Non-Finnish European, 0.00076%; no homozygotes.

Submission:

CeGaT Center for Human Genetics Tuebingen
Classification: Likely benign. Last evaluated: 2023-01-01. Review status: criteria provided, single submitter. Criteria: CeGaT Center For Human Genetics Tuebingen Variant Classification Criteria Version 2. Collection method: clinical testing. Allele origin: germline. Affected: yes. Observed: 1 variant allele.
Comment: CSMD2: BP4, BP7

NM_001281956.2(CSMD2):c.3786G>A (p.Lys1262=)

Gene: CSMD2 (CUB and Sushi multiple domains 2; minus strand). Cytogenetic location: 1p35.1.
Variant type: single nucleotide variant.
Coding change: c.3786G>A on transcript NM_001281956.2 (MANE Select); coding-DNA position 3786, G replaced by A.
Protein change: p.Lys1262=; no amino-acid change (lysine 1262 retained).
Molecular consequence: synonymous variant.
Genome position (GRCh38, 1-based): chr1:33,698,892, C>T on the plus strand (G>A on the coding strand, the complement: CSMD2 is on the minus strand). VCF-style: chr1-33698892-C-T. GRCh37 (hg19) VCF-style: chr1-34164492-C-T.
Other names: c.3666G>A, p.Lys1222= (NM_052896.5).
Identifiers: ClinVar variation 2638631 (VCV002638631.24), dbSNP rs780802122, ClinGen allele CA752402.